The following is an entry in ClinVar:

ClinVar aggregate classification (germline): Conflicting classifications of pathogenicity. Review status: criteria provided, conflicting classifications (1 of 4 stars). 10 submissions from 10 submitters: Uncertain significance (4); Benign (2); Likely benign (4). Last evaluated 2026-05-20.

Conditions:
Isolated focal cortical dysplasia type II (FCORD2). Also called: Focal cortical dysplasia type II; CORTICAL DYSPLASIA OF TAYLOR. Identifiers: Orphanet 268994, MedGen C1846385, MONDO:0011818, OMIM 607341, HP:0032051.
Lymphangiomyomatosis (LAM). Also called: Lymphangioleiomyomatosis, somatic; Lymphangioleiomyomatosis. Identifiers: Orphanet 538, MedGen C0751674, MONDO:0011705, OMIM 606690.
Tuberous sclerosis 2 (TSC2). Identifiers: Orphanet 805, MedGen C1860707, MONDO:0013199, OMIM 613254.
Tuberous sclerosis syndrome (TSC). Also called: Tuberous sclerosis; Tuberous Sclerosis Complex. Identifiers: Orphanet 805, MedGen C0041341, MONDO:0001734.
Hereditary cancer-predisposing syndrome. Also called: Tumor predisposition; Neoplastic Syndromes, Hereditary; Hereditary neoplastic syndrome; Hereditary Cancer Syndrome. Identifiers: Orphanet 140162, MedGen C0027672, MeSH D009386, MONDO:0015356.

Allele frequency attached by ClinVar (database versions not stated): gnomAD 0.00001 and 0.00003; TOPMed 0.00002.
gnomAD v4.1: 21 of 1,610,086 alleles (0.0013%); highest among the groups gnomAD compares: Middle Eastern, 0.12%; no homozygotes.

Submissions (10):

Women's Health and Genetics/Laboratory Corporation of America, LabCorp
Classification: Uncertain significance. Last evaluated: 2026-05-20. Review status: criteria provided, single submitter. Criteria: LabCorp Variant Classification Summary - May 2015. Collection method: clinical testing. Allele origin: germline.
Comment: Variant summary: TSC2 c.2545A>G (p.Thr849Ala) results in a non-conservative amino acid change in the encoded protein sequence. Algorithms developed to predict the effect of missense changes on protein structure and function all suggest that this variant is likely to be disruptive. Consensus agreement among computation tools predict no significant impact on normal splicing. However, these predictions have yet to be confirmed by functional studies. The variant allele was found at a frequency of 1.3e-05 in 1610086 control chromosomes (gnomAD v4). This frequency is not significantly higher than estimated for disease-causing variants in TSC2, allowing no conclusion about variant significance. To our knowledge, no occurrence of c.2545A>G in individuals affected with TSC2-related conditions and no experimental evidence demonstrating its impact on protein function have been reported. ClinVar contains an entry for this variant (Variation ID: 391969). Based on the evidence outlined above, the variant was classified as uncertain significance.

Labcorp Genetics (formerly Invitae), Labcorp
Classification: Benign for Tuberous sclerosis 2. Last evaluated: 2026-02-02. Review status: criteria provided, single submitter. Criteria: Invitae Variant Classification Sherloc (09022015). Collection method: clinical testing. Allele origin: germline.

Color Diagnostics, LLC DBA Color Health
Classification: Benign for Tuberous sclerosis syndrome. Last evaluated: 2025-10-28. Review status: criteria provided, single submitter. Criteria: ACMG Guidelines, 2015. Collection method: clinical testing. Allele origin: germline.

Myriad Genetics, Inc.
Classification: Likely benign for Tuberous sclerosis 2. Last evaluated: 2024-10-14. Review status: criteria provided, single submitter. Criteria: Myriad Autosomal Dominant, Autosomal Recessive and X-Linked Classification Criteria (2023). Collection method: clinical testing. Allele origin: unknown.
Comment: This variant is considered likely benign. Homozygosity has been confirmed in one or more individuals. As homozygosity for pathogenic variants in this gene is generally assumed to result in embryonic lethality, this variant is unlikely to be pathogenic.

Blueprint Genetics
Classification: Likely benign. Last evaluated: 2024-08-20. Review status: criteria provided, single submitter. Criteria: ACMG Guidelines, 2015. Collection method: clinical testing. Allele origin: germline.

Fulgent Genetics
Classification: Likely benign for Lymphangiomyomatosis; Isolated focal cortical dysplasia type II; Tuberous sclerosis 2. Last evaluated: 2024-05-20. Review status: criteria provided, single submitter. Criteria: ACMG Guidelines, 2015. Collection method: clinical testing. Allele origin: germline.

Ambry Genetics
Classification: Uncertain significance for Hereditary cancer-predisposing syndrome. Last evaluated: 2023-12-13. Review status: criteria provided, single submitter. Criteria: Ambry Variant Classification Scheme 2023. Collection method: clinical testing. Allele origin: germline.
Comment: The p.T849A variant (also known as c.2545A>G), located in coding exon 21 of the TSC2 gene, results from an A to G substitution at nucleotide position 2545. The threonine at codon 849 is replaced by alanine, an amino acid with similar properties. This amino acid position is highly conserved in available vertebrate species. In addition, this alteration is predicted to be deleterious by in silico analysis. Since supporting evidence is limited at this time, the clinical significance of this alteration remains unclear.

All of Us Research Program, National Institutes of Health
Classification: Uncertain significance for Tuberous sclerosis syndrome. Last evaluated: 2023-06-28. Review status: criteria provided, single submitter. Criteria: ACMG Guidelines, 2015. Collection method: clinical testing. Allele origin: germline. Inheritance: Autosomal dominant inheritance. Observed: 2 variant alleles, 2 heterozygotes.
Comment: This missense variant replaces threonine with alanine at codon 849 of the TSC2 protein. Computational prediction suggests that this variant may have deleterious impact on protein structure and function (internally defined REVEL score threshold >= 0.7, PMID: 27666373). To our knowledge, functional studies have not been reported for this variant. This variant has not been reported in individuals affected with tuberous sclerosis complex in the literature. This variant has been identified in 3/247478 chromosomes in the general population by the Genome Aggregation Database (gnomAD). The available evidence is insufficient to determine the role of this variant in disease conclusively. Therefore, this variant is classified as a Variant of Uncertain Significance.

This study involves interpretation of variants in research participants for the purpose of population health screening. Participant phenotype was not available at the time of variant classification. Additional details can be found in publication PMID: 35346344, PMCID: PMC8962531

GeneDx
Classification: Uncertain significance. Last evaluated: 2022-03-02. Review status: criteria provided, single submitter. Criteria: GeneDx Variant Classification Process June 2021. Collection method: clinical testing. Allele origin: germline. Affected: yes.
Comment: In silico analysis supports that this missense variant has a deleterious effect on protein structure/function; Has not been previously published as pathogenic or benign to our knowledge

Genome-Nilou Lab
Classification: Likely benign for Tuberous sclerosis 2. Last evaluated: 2021-11-07. Review status: criteria provided, single submitter. Criteria: ACMG Guidelines, 2015. Collection method: clinical testing. Allele origin: germline. Affected: no.

NM_000548.5(TSC2):c.2545A>G (p.Thr849Ala)

Gene: TSC2 (TSC complex subunit 2; plus strand). Cytogenetic location: 16p13.3.
Variant type: single nucleotide variant.
Coding change: c.2545A>G on transcript NM_000548.5 (MANE Select); coding-DNA position 2545, A replaced by G.
Protein change: p.Thr849Ala; replaces threonine 849 with alanine.
Molecular consequence: missense variant.
Genome position (GRCh38, 1-based): chr16:2,074,389, A>G. VCF-style: chr16-2074389-A-G. GRCh37 (hg19) VCF-style: chr16-2124390-A-G.
Other names: c.2545A>G, p.Thr849Ala (NM_001077183.3, NM_001114382.3, NM_001363528.2 and 3 more transcripts); c.2434A>G, p.Thr812Ala (NM_001318827.2); c.2398A>G, p.Thr800Ala (NM_001318829.2); c.1945A>G, p.Thr649Ala (NM_001318831.2); c.2578A>G, p.Thr860Ala (NM_001318832.2); short protein forms T849A, T800A, T812A, T860A, T649A.
Identifiers: ClinVar variation 391969 (VCV000391969.27), dbSNP rs781713438, ClinGen allele CA16607307.